The following is an entry in ClinVar:

NM_014053.4(FLVCR1):c.619C>A (p.Gln207Lys)

Gene: FLVCR1 (FLVCR choline and heme transporter 1; plus strand). Cytogenetic location: 1q32.3.
Variant type: single nucleotide variant.
Coding change: c.619C>A on transcript NM_014053.4 (MANE Select); coding-DNA position 619, C replaced by A.
Protein change: p.Gln207Lys; replaces glutamine 207 with lysine.
Molecular consequence: missense variant.
Genome position (GRCh38, 1-based): chr1:212,859,071, C>A. VCF-style: chr1-212859071-C-A. GRCh37 (hg19) VCF-style: chr1-213032413-C-A.
Other names: short protein forms Q207K.
Identifiers: ClinVar variation 1367391 (VCV001367391.8), dbSNP rs2102527618, ClinGen allele CA344797220.

ClinVar aggregate classification (germline): Uncertain significance (1 of 4 stars; one submission).

Submission:

Labcorp Genetics (formerly Invitae), Labcorp
Classification: Uncertain significance. Last evaluated: 2022-03-10. Review status: criteria provided, single submitter. Criteria: Invitae Variant Classification Sherloc (09022015). Collection method: clinical testing. Allele origin: germline.
Comment: In summary, the available evidence is currently insufficient to determine the role of this variant in disease. Therefore, it has been classified as a Variant of Uncertain Significance. This variant is not present in population databases (gnomAD no frequency). This variant has not been reported in the literature in individuals affected with FLVCR1-related conditions. Algorithms developed to predict the effect of missense changes on protein structure and function (SIFT, PolyPhen-2, Align-GVGD) all suggest that this variant is likely to be disruptive. This sequence change replaces glutamine, which is neutral and polar, with lysine, which is basic and polar, at codon 207 of the FLVCR1 protein (p.Gln207Lys).